The following is an entry in ClinVar:

NM_004519.4(KCNQ3):c.*6199C>T

Gene: KCNQ3 (potassium voltage-gated channel subfamily Q member 3; minus strand). Cytogenetic location: 8q24.22.
Variant type: single nucleotide variant.
Coding change: c.*6199C>T on transcript NM_004519.4 (MANE Select); 6199 bases downstream of the stop codon, C replaced by T.
Molecular consequence: 3 prime UTR variant.
Genome position (GRCh38, 1-based): chr8:132,123,063, G>A on the plus strand (C>T on the coding strand, the complement: KCNQ3 is on the minus strand). VCF-style: chr8-132123063-G-A. GRCh37 (hg19) VCF-style: chr8-133135310-G-A.
Other names: c.*6199C>T (NM_001204824.2).
Identifiers: ClinVar variation 361781 (VCV000361781.6), dbSNP rs183259250, ClinGen allele CA10627012.

ClinVar aggregate classification (germline): Benign (1 of 4 stars; one submission).

Conditions:
Seizures, benign familial neonatal, 2. Also called: CONVULSIONS, BENIGN FAMILIAL NEONATAL, 2; KCNQ3-Related Self-Limited Familial Neonatal Epilepsy (SLFNE); Benign Neonatal Epilepsy 2; KCNQ3-Related Benign Familial Neonatal Epilepsy; Seizures, benign neonatal, 2. Identifiers: Orphanet 1949, MedGen C1852581, MONDO:0007366, OMIM 121201.

Allele frequency attached by ClinVar (database versions not stated): TOPMed 0.00232; gnomAD 0.00240 and 0.00226; 1000 Genomes Project 30x 0.00250; 1000 Genomes Project 0.00260.

Submission:

Illumina Laboratory Services, Illumina
Classification: Benign for Seizures, benign familial neonatal, 2. Last evaluated: 2018-01-13. Review status: criteria provided, single submitter. Criteria: ICSL Variant Classification Criteria 13 December 2019. Collection method: clinical testing. Allele origin: germline.
Comment: This variant was observed in the ICSL laboratory as part of a predisposition screen in an ostensibly healthy population. It had not been previously curated by ICSL or reported in the Human Gene Mutation Database (HGMD: prior to June 1st, 2018), and was therefore a candidate for classification through an automated scoring system. Utilizing variant allele frequency, disease prevalence and penetrance estimates, and inheritance mode, an automated score was calculated to assess if this variant is too frequent to cause the disease. Based on the score and internal cut-off values, a variant classified as benign is not then subjected to further curation. The score for this variant resulted in a classification of benign for this disease.